The following is an entry in ClinVar:

ClinVar aggregate classification (germline): Pathogenic (1 of 4 stars; one submission).

Submission:

Quest Diagnostics Nichols Institute San Juan Capistrano
Classification: Pathogenic. Last evaluated: 2022-12-10. Review status: criteria provided, single submitter. Criteria: ACMG/ClinGen CNV Guidelines, 2019. Collection method: clinical testing. Allele origin: unknown.
Comment: This copy number gain involves numerous protein-coding genes. Gains that span 22q13.31q13.33 have been identified in individuals with a variety of phenotypes (Chen 2017, Han 2013, Peeters 2008, Jafri 2011). There are no similar copy number gains of this region in the general populations of the Database of Genomic Variants. Thus, based on current medical literature and gene content, this copy number variant (CNV) is classified as pathogenic. References:_x000D__x000D_ Chen et al., Psychiatr Genet. 2017 Feb;27(1):23-33. PMID: 27846046 _x000D__x000D_ Han et al., Nature. 2013 Nov 7;503(7474):72-7. PMID: 24153177_x000D__x000D_ Jafri et al., ISRN Pediatr. 2011;2011:829825. PMID: 22389789_x000D__x000D_ Peeters et al., Genet Couns. 2008;19(4):365-71. PMID: 19239079_x000D__x000D_

GRCh37/hg19 22q13.31-13.33(chr22:45657164-51197838)x3

Genes: GTSE1 (G2 and S-phase expressed 1; plus strand), HDAC10 (histone deacetylase 10; minus strand), ACR (acrosin; plus strand), ADM2 (adrenomedullin 2; plus strand), CELSR1 (cadherin EGF LAG seven-pass G-type receptor 1; minus strand) and 51 more. Cytogenetic location: 22q13.31-13.33.
Variant type: copy number gain.
Change: copy number 3 (three copies instead of two) of chr22:45,657,164-51,197,838 (5.54 Mb, GRCh37 coordinates, 1-based), cytogenetic band 22q13.31-13.33.
Identifiers: ClinVar variation 2684939 (VCV002684939.1).